The following is an entry in ClinVar:

ClinVar aggregate classification (germline): Uncertain significance (1 of 4 stars; one submission).

Conditions:
Methylcobalamin deficiency type cblE (HMAE). Also called: HOMOCYSTINURIA-MEGALOBLASTIC ANEMIA, cblE TYPE; HOMOCYSTINURIA-MEGALOBLASTIC ANEMIA, cblE COMPLEMENTATION TYPE; VITAMIN B12-RESPONSIVE HOMOCYSTINURIA, cblE TYPE. Identifiers: Orphanet 2169, Orphanet 622, MedGen C1856057, MONDO:0009354, OMIM 236270.

Allele frequency attached by ClinVar (database versions not stated): TOPMed below 0.00001; gnomAD 0.00001.
gnomAD v4.1: 1 of 1,614,104 alleles (0.000062%); highest among the groups gnomAD compares: Admixed American, 0.0017%; no homozygotes.

Submission:

Labcorp Genetics (formerly Invitae), Labcorp
Classification: Uncertain significance for Methylcobalamin deficiency type cblE. Last evaluated: 2022-07-12. Review status: criteria provided, single submitter. Criteria: Invitae Variant Classification Sherloc (09022015). Collection method: clinical testing. Allele origin: germline.
Comment: This sequence change replaces glutamic acid, which is acidic and polar, with aspartic acid, which is acidic and polar, at codon 40 of the MTRR protein (p.Glu40Asp). This variant is not present in population databases (gnomAD no frequency). This variant has not been reported in the literature in individuals affected with MTRR-related conditions. Algorithms developed to predict the effect of missense changes on protein structure and function are either unavailable or do not agree on the potential impact of this missense change (SIFT: "Tolerated"; PolyPhen-2: "Probably Damaging"; Align-GVGD: "Class C0"). In summary, the available evidence is currently insufficient to determine the role of this variant in disease. Therefore, it has been classified as a Variant of Uncertain Significance.

NM_002454.3(MTRR):c.120A>C (p.Glu40Asp)

Gene: MTRR (5-methyltetrahydrofolate-homocysteine methyltransferase reductase; plus strand). Cytogenetic location: 5p15.31.
Variant type: single nucleotide variant.
Coding change: c.120A>C on transcript NM_002454.3 (MANE Select); coding-DNA position 120, A replaced by C.
Protein change: p.Glu40Asp; replaces glutamic acid 40 with aspartic acid.
Molecular consequence: missense variant. On other transcripts: non-coding transcript variant (14).
Genome position (GRCh38, 1-based): chr5:7,870,914, A>C. VCF-style: chr5-7870914-A-C. GRCh37 (hg19) VCF-style: chr5-7871027-A-C.
Other names: c.120A>C, p.Glu40Asp (NM_001364440.2, NM_001364441.2, NM_001364442.2 and 1 more transcripts); short protein forms E40D.
Identifiers: ClinVar variation 2048072 (VCV002048072.1), dbSNP rs1237366737, ClinGen allele CA359155759.